The following is an entry in ClinVar:

ClinVar aggregate classification (germline): Uncertain significance. Review status: criteria provided, multiple submitters, no conflicts (2 of 4 stars). 3 submissions from 3 submitters: Uncertain significance (3). Last evaluated 2025-12-16.

Conditions:
Brain small vessel disease 2B, autosomal recessive. Identifiers: MedGen C6065929, MONDO:0980747, OMIM 621414.
Inborn genetic diseases. Identifiers: MedGen C0950123, MeSH D030342.

Allele frequency attached by ClinVar (database versions not stated): gnomAD exomes below 0.00001.
gnomAD v4.1: 1 of 1,613,992 alleles (0.000062%); highest among the groups gnomAD compares: Non-Finnish European, 0.000085%; no homozygotes.

Submissions (3):

3billion
Classification: Uncertain significance for Brain small vessel disease 2B, autosomal recessive. Last evaluated: 2025-12-16. Review status: criteria provided, single submitter. Criteria: ACMG Guidelines, 2015. Collection method: clinical testing. Allele origin: germline. Affected: yes.
Comment: The variant is observed at an extremely low frequency in the gnomAD v4.1.0 dataset (total allele frequency: <0.001%). Predicted Consequence/Location: Missense variant In silico tool predictions suggest damaging effect of the variant on gene or gene product [REVEL: 0.97 (>=0.6, sensitivity 0.68 and specificity 0.92); 3Cnet: 0.83 (> 0.75, sensitivity 0.96 and precision 0.92)]. The variant has been reported as of uncertain significance (ClinVar ID: VCV002989829). Therefore, this variant is classified as VUS according to the recommendation of ACMG/AMP guideline.

Ambry Genetics
Classification: Uncertain significance for Inborn genetic diseases. Last evaluated: 2025-08-27. Review status: criteria provided, single submitter. Criteria: Ambry Variant Classification Scheme 2023. Collection method: clinical testing. Allele origin: germline.

Labcorp Genetics (formerly Invitae), Labcorp
Classification: Uncertain significance. Last evaluated: 2023-08-22. Review status: criteria provided, single submitter. Criteria: Invitae Variant Classification Sherloc (09022015). Collection method: clinical testing. Allele origin: germline.
Comment: In summary, the available evidence is currently insufficient to determine the role of this variant in disease. Therefore, it has been classified as a Variant of Uncertain Significance. Advanced modeling of protein sequence and biophysical properties (such as structural, functional, and spatial information, amino acid conservation, physicochemical variation, residue mobility, and thermodynamic stability) has been performed at Invitae for this missense variant, however the output from this modeling did not meet the statistical confidence thresholds required to predict the impact of this variant on COL4A2 protein function. This variant has not been reported in the literature in individuals affected with COL4A2-related conditions. This variant is not present in population databases (gnomAD no frequency). This sequence change replaces glycine, which is neutral and non-polar, with arginine, which is basic and polar, at codon 1320 of the COL4A2 protein (p.Gly1320Arg).

NM_001846.4(COL4A2):c.3958G>C (p.Gly1320Arg)

Genes: COL4A2 (collagen type IV alpha 2 chain; plus strand), COL4A2-AS1 (COL4A2 antisense RNA 1; minus strand). Cytogenetic location: 13q34.
Variant type: single nucleotide variant.
Coding change: c.3958G>C on transcript NM_001846.4 (MANE Select); coding-DNA position 3958, G replaced by C.
Protein change: p.Gly1320Arg; replaces glycine 1320 with arginine.
Molecular consequence: missense variant.
Genome position (GRCh38, 1-based): chr13:110,503,201, G>C. VCF-style: chr13-110503201-G-C. GRCh37 (hg19) VCF-style: chr13-111155548-G-C.
Other names: c.3958G>C (NM_001846.2); short protein forms G1320R.
Identifiers: ClinVar variation 2989829 (VCV002989829.5), dbSNP rs1883711441, ClinGen allele CA388736072.